The following is an entry in ClinVar:

NM_006663.4(PPP1R13L):c.526G>T (p.Asp176Tyr)

Gene: PPP1R13L (protein phosphatase 1 regulatory subunit 13 like; minus strand). Cytogenetic location: 19q13.32.
Variant type: single nucleotide variant.
Coding change: c.526G>T on transcript NM_006663.4 (MANE Select); coding-DNA position 526, G replaced by T.
Protein change: p.Asp176Tyr; replaces aspartic acid 176 with tyrosine.
Molecular consequence: missense variant.
Genome position (GRCh38, 1-based): chr19:45,396,731, C>A on the plus strand (G>T on the coding strand, the complement: PPP1R13L is on the minus strand). VCF-style: chr19-45396731-C-A. GRCh37 (hg19) VCF-style: chr19-45899989-C-A.
Other names: c.526G>T, p.Asp176Tyr (NM_001142502.2); c.526G>T (NM_001142502.1); short protein forms D176Y.
Identifiers: ClinVar variation 3895350 (VCV003895350.2), dbSNP rs536673957.

ClinVar aggregate classification (germline): Conflicting classifications of pathogenicity. Review status: criteria provided, conflicting classifications (1 of 4 stars). 2 submissions from 2 submitters: Uncertain significance (1); Likely benign (1). Last evaluated 2025-06-24.

Conditions:
Inborn genetic diseases. Identifiers: MedGen C0950123, MeSH D030342.

Submissions (2):

Ambry Genetics
Classification: Uncertain significance for Inborn genetic diseases. Last evaluated: 2025-06-24. Review status: criteria provided, single submitter. Criteria: Ambry Variant Classification Scheme 2023. Collection method: clinical testing. Allele origin: germline.

Molecular Diagnostic Laboratory for Inherited Cardiovascular Disease, Montreal Heart Institute
Classification: Likely benign. Last evaluated: 2025-04-09. Review status: criteria provided, single submitter. Criteria: ACMG Guidelines, 2015. Collection method: clinical testing. Allele origin: germline. Affected: no.
Comment: BS1;BP4